The following is an entry in ClinVar:

NM_001949.5(E2F3):c.1201G>T (p.Ala401Ser)

Gene: E2F3 (E2F transcription factor 3; plus strand). Cytogenetic location: 6p22.3.
Variant type: single nucleotide variant.
Coding change: c.1201G>T on transcript NM_001949.5 (MANE Select); coding-DNA position 1201, G replaced by T.
Protein change: p.Ala401Ser; replaces alanine 401 with serine.
Molecular consequence: missense variant.
Genome position (GRCh38, 1-based): chr6:20,490,233, G>T. VCF-style: chr6-20490233-G-T. GRCh37 (hg19) VCF-style: chr6-20490464-G-T.
Other names: NC_000006.11:g.20490464G>T; c.808G>T, p.Ala270Ser (NM_001243076.3); short protein forms A270S, A401S.
Identifiers: ClinVar variation 3039257 (VCV003039257.3), dbSNP rs151305307, ClinGen allele CA3652932.

ClinVar aggregate classification (germline): Likely benign (0 of 4 stars; one submission).

Conditions:
E2F3-related disorder. Also called: E2F3-related condition.

Allele frequency attached by ClinVar (database versions not stated): ExAC 0.00098; gnomAD 0.00149; TOPMed 0.00161; ESP Exome Variant Server 0.00192.
gnomAD v4.1: 3,617 of 1,614,008 alleles (0.22%); highest among the groups gnomAD compares: Non-Finnish European, 0.29%; 10 homozygotes.

Submissions (8):

PreventionGenetics, part of Exact Sciences
Classification: Likely benign for E2F3-related condition. Last evaluated: 2023-04-04. Review status: no assertion criteria provided. Collection method: clinical testing. Allele origin: germline.
Comment: This variant is classified as likely benign based on ACMG/AMP sequence variant interpretation guidelines (Richards et al. 2015 PMID: 25741868, with internal and published modifications).

Dr. Peter K. Rogan Lab, Western University
No classification provided (evidence only). Condition: Lung cancer. Review status: no classification provided. Collection method: in vitro. Allele origin: not applicable. Functional consequence: retained intron. Not counted in ClinVar's aggregate classification.

Dr. Peter K. Rogan Lab, Western University
No classification provided (evidence only). Condition: Melanoma. Review status: no classification provided. Collection method: in vitro. Allele origin: not applicable. Functional consequence: retained intron. Not counted in ClinVar's aggregate classification.

Dr. Peter K. Rogan Lab, Western University
No classification provided (evidence only). Condition: Cervical cancer. Review status: no classification provided. Collection method: in vitro. Allele origin: not applicable. Functional consequence: retained intron. Not counted in ClinVar's aggregate classification.

Dr. Peter K. Rogan Lab, Western University
No classification provided (evidence only). Condition: Ovarian serous cystadenocarcinoma. Review status: no classification provided. Collection method: in vitro. Allele origin: not applicable. Functional consequence: retained intron. Not counted in ClinVar's aggregate classification.

Dr. Peter K. Rogan Lab, Western University
No classification provided (evidence only). Condition: Gastric cancer. Review status: no classification provided. Collection method: in vitro. Allele origin: not applicable. Functional consequence: retained intron. Not counted in ClinVar's aggregate classification.

Dr. Peter K. Rogan Lab, Western University
No classification provided (evidence only). Condition: Malignant tumor of esophagus. Review status: no classification provided. Collection method: in vitro. Allele origin: not applicable. Functional consequence: retained intron. Not counted in ClinVar's aggregate classification.

Dr. Peter K. Rogan Lab, Western University
No classification provided (evidence only). Condition: Malignant tumor of esophagus. Review status: no classification provided. Collection method: in vitro. Allele origin: not applicable. Functional consequence: retained intron. Not counted in ClinVar's aggregate classification.